The following is an entry in ClinVar:

ClinVar aggregate classification (germline): Uncertain significance (1 of 4 stars; one submission).

Conditions:
Inborn genetic diseases. Identifiers: MedGen C0950123, MeSH D030342.

Allele frequency attached by ClinVar (database versions not stated): gnomAD exomes below 0.00001; ExAC 0.00001.
gnomAD v4.1: 1 of 1,608,704 alleles (0.000062%); highest among the groups gnomAD compares: Non-Finnish European, 0.000085%; no homozygotes.

Submission:

Ambry Genetics
Classification: Uncertain significance for Inborn genetic diseases. Last evaluated: 2023-12-31. Review status: criteria provided, single submitter. Criteria: Ambry Variant Classification Scheme 2023. Collection method: clinical testing. Allele origin: germline.
Comment: The p.G253V variant (also known as c.758G>T), located in coding exon 6 of the FUS gene, results from a G to T substitution at nucleotide position 758. The glycine at codon 253 is replaced by valine, an amino acid with dissimilar properties. This amino acid position is conserved. In addition, this alteration is predicted to be deleterious by in silico analysis. Since supporting evidence is limited at this time, the clinical significance of this alteration remains unclear.

NM_004960.4(FUS):c.758G>T (p.Gly253Val)

Gene: FUS (FUS RNA binding protein; plus strand). Cytogenetic location: 16p11.2.
Variant type: single nucleotide variant.
Coding change: c.758G>T on transcript NM_004960.4 (MANE Select); coding-DNA position 758, G replaced by T.
Protein change: p.Gly253Val; replaces glycine 253 with valine.
Molecular consequence: missense variant. On other transcripts: non-coding transcript variant (1).
Genome position (GRCh38, 1-based): chr16:31,185,173, G>T. VCF-style: chr16-31185173-G-T. GRCh37 (hg19) VCF-style: chr16-31196494-G-T.
Other names: c.755G>T, p.Gly252Val (NM_001170634.1); c.746G>T, p.Gly249Val (NM_001170937.1); short protein forms G249V, G252V, G253V.
Identifiers: ClinVar variation 3224535 (VCV003224535.1), dbSNP rs761349989, ClinGen allele CA8023780.
Genomic context (GRCh38, chr16:31,185,173, plus strand): 5'-ACCGCAGCAGTGGTGGCTATGAACCCAGAGGTCGTGGAGGTGGCCGTGGAGGCAGAGGTG[G>T]CATGGGGTAGGTGTCTCATGAGCCAGGGAGTATCTTTGGTGGGGAGTGTGGAGGATTGCA-3'
Protein context (NP_004951.1, residues 243-263): GRGGGRGGRG[Gly253Val]MGGSDRGGFN